The following is an entry in ClinVar:

NM_007076.3(FICD):c.328del (p.Ala109_Leu110insTer)

Gene: FICD (FIC domain protein adenylyltransferase; plus strand). Cytogenetic location: 12q23.3.
Variant type: Deletion.
Coding change: c.328del on transcript NM_007076.3 (MANE Select); coding-DNA position 328, one base deleted (C; older notation c.328delC).
Protein change: p.Ala109_Leu110insTer.
Molecular consequence: nonsense.
Genome position (GRCh38, 1-based): chr12:108,518,426, C deleted; the last of 3 consecutive C bases (chr12:108,518,424-108,518,426); deleting any one gives the same sequence. VCF-style (leftmost placement, unchanged base first): chr12-108518423-GC-G. GRCh37 (hg19) VCF-style: chr12-108912200-GC-G.
Other names: c.328delC (NM_007076.3).
Identifiers: ClinVar variation 4850631 (VCV004850631.1).
Genomic context (GRCh38, chr12:108,518,423, plus strand): 5'-CTCCCTCCCTCACAGCGCTTCTTTGGCTCTCTTCCAGCGGGTAAGTTGGAAGCCAGAGCT[GC>G]CCTGAACCAGGCCCTGGAGATGAAGCGCCAGGGCAAGCGGGAAAAAGCCCAAAAGCTCTT-3'

ClinVar aggregate classification (germline): Likely pathogenic (1 of 4 stars; one submission).

Conditions:
Spastic paraplegia 92, autosomal recessive. Identifiers: MedGen C5975346, MONDO:0975746, OMIM 620911.

Submission:

First Genomix Gene Laboratory, Genetic Diagnostics Department
Classification: Likely pathogenic for Spastic paraplegia 92, autosomal recessive. Last evaluated: 2025-09-10. Review status: criteria provided, single submitter. Criteria: ACMG Guidelines, 2015. Collection method: clinical testing. Allele origin: germline. Inheritance: Autosomal recessive inheritance. Affected: no. Observed: 1 variant allele.